The following is an entry in ClinVar:

ClinVar aggregate classification (germline): Uncertain significance (1 of 4 stars; one submission).

Allele frequency attached by ClinVar (database versions not stated): gnomAD exomes 0.00002.
gnomAD v4.1: 30 of 1,614,132 alleles (0.0019%); highest among the groups gnomAD compares: Non-Finnish European, 0.0025%; no homozygotes.

Submission:

Labcorp Genetics (formerly Invitae), Labcorp
Classification: Uncertain significance. Last evaluated: 2022-07-21. Review status: criteria provided, single submitter. Criteria: Invitae Variant Classification Sherloc (09022015). Collection method: clinical testing. Allele origin: germline.
Comment: This sequence change replaces serine, which is neutral and polar, with alanine, which is neutral and non-polar, at codon 331 of the SLC39A14 protein (p.Ser331Ala). This variant is present in population databases (rs766905431, gnomAD 0.0009%). This variant has not been reported in the literature in individuals affected with SLC39A14-related conditions. Algorithms developed to predict the effect of missense changes on protein structure and function (SIFT, PolyPhen-2, Align-GVGD) all suggest that this variant is likely to be tolerated. In summary, the available evidence is currently insufficient to determine the role of this variant in disease. Therefore, it has been classified as a Variant of Uncertain Significance.

NM_001128431.4(SLC39A14):c.991T>G (p.Ser331Ala)

Gene: SLC39A14 (solute carrier family 39 member 14; plus strand). Cytogenetic location: 8p21.3.
Variant type: single nucleotide variant.
Coding change: c.991T>G on transcript NM_001128431.4 (MANE Select); coding-DNA position 991, T replaced by G.
Protein change: p.Ser331Ala; replaces serine 331 with alanine.
Molecular consequence: missense variant.
Genome position (GRCh38, 1-based): chr8:22,416,124, T>G. VCF-style: chr8-22416124-T-G. GRCh37 (hg19) VCF-style: chr8-22273637-T-G.
Other names: c.991T>G, p.Ser331Ala (NM_001135153.3, NM_001135154.3, NM_001351655.2 and 3 more transcripts); c.1021T>G, p.Ser341Ala (NM_001351657.2, NM_001351658.2, NM_001351659.2); short protein forms S331A, S341A.
Identifiers: ClinVar variation 2126794 (VCV002126794.1), dbSNP rs766905431, ClinGen allele CA173874573.